The following is an entry in ClinVar:

ClinVar aggregate classification (germline): Uncertain significance (1 of 4 stars; one submission).

Submission:

Labcorp Genetics (formerly Invitae), Labcorp
Classification: Uncertain significance. Last evaluated: 2023-08-10. Review status: criteria provided, single submitter. Criteria: Invitae Variant Classification Sherloc (09022015). Collection method: clinical testing. Allele origin: germline.
Comment: This sequence change replaces serine, which is neutral and polar, with tyrosine, which is neutral and polar, at codon 2618 of the HMCN1 protein (p.Ser2618Tyr). This variant is not present in population databases (gnomAD no frequency). This variant has not been reported in the literature in individuals affected with HMCN1-related conditions. An algorithm developed to predict the effect of missense changes on protein structure and function (PolyPhen-2) suggests that this variant is likely to be disruptive. In summary, the available evidence is currently insufficient to determine the role of this variant in disease. Therefore, it has been classified as a Variant of Uncertain Significance.

NM_031935.3(HMCN1):c.7853C>A (p.Ser2618Tyr)

Gene: HMCN1 (hemicentin 1; plus strand). Cytogenetic location: 1q31.1.
Variant type: single nucleotide variant.
Coding change: c.7853C>A on transcript NM_031935.3 (MANE Select); coding-DNA position 7853, C replaced by A.
Protein change: p.Ser2618Tyr; replaces serine 2618 with tyrosine.
Molecular consequence: missense variant.
Genome position (GRCh38, 1-based): chr1:186,067,981, C>A. VCF-style: chr1-186067981-C-A. GRCh37 (hg19) VCF-style: chr1-186037113-C-A.
Other names: short protein forms S2618Y.
Identifiers: ClinVar variation 2749417 (VCV002749417.3), dbSNP rs2527788931, ClinGen allele CA343908668.